The following is an entry in ClinVar:

ClinVar aggregate classification (germline): Uncertain significance (1 of 4 stars; one submission).

Conditions:
Arrhythmogenic right ventricular dysplasia 9 (ARVD9). Also called: ARRHYTHMOGENIC RIGHT VENTRICULAR DYSPLASIA, FAMILIAL, 9; Arrhythmogenic Right Ventricular Dysplasia/Cardiomyopathy 9. Identifiers: MedGen C1836906, MONDO:0012180, OMIM 609040.

Submission:

Labcorp Genetics (formerly Invitae), Labcorp
Classification: Uncertain significance for Arrhythmogenic right ventricular dysplasia 9. Last evaluated: 2022-05-01. Review status: criteria provided, single submitter. Criteria: Invitae Variant Classification Sherloc (09022015). Collection method: clinical testing. Allele origin: germline.
Comment: This sequence change replaces asparagine, which is neutral and polar, with serine, which is neutral and polar, at codon 260 of the PKP2 protein (p.Asn260Ser). In summary, the available evidence is currently insufficient to determine the role of this variant in disease. Therefore, it has been classified as a Variant of Uncertain Significance. Algorithms developed to predict the effect of missense changes on protein structure and function (SIFT, PolyPhen-2, Align-GVGD) all suggest that this variant is likely to be tolerated. This variant has not been reported in the literature in individuals affected with PKP2-related conditions. This variant is not present in population databases (gnomAD no frequency).

NM_001005242.3(PKP2):c.779A>G (p.Asn260Ser)

Gene: PKP2 (plakophilin 2; minus strand). Cytogenetic location: 12p11.21.
Variant type: single nucleotide variant.
Coding change: c.779A>G on transcript NM_001005242.3 (MANE Select); coding-DNA position 779, A replaced by G.
Protein change: p.Asn260Ser; replaces asparagine 260 with serine.
Molecular consequence: missense variant.
Genome position (GRCh38, 1-based): chr12:32,878,101, T>C on the plus strand (A>G on the coding strand, the complement: PKP2 is on the minus strand). VCF-style: chr12-32878101-T-C. GRCh37 (hg19) VCF-style: chr12-33031035-T-C.
Other names: c.779A>G, p.Asn260Ser (NM_001407155.1, NM_001407156.1, NM_001407157.1 and 2 more transcripts); c.452A>G, p.Asn151Ser (NM_001407158.1, NM_001407159.1, NM_001407160.1 and 1 more transcripts); short protein forms N151S, N260S.
Identifiers: ClinVar variation 2161638 (VCV002161638.4), dbSNP rs2541339766, ClinGen allele CA384362546.